The following is an entry in ClinVar:

ClinVar aggregate classification (germline): Likely benign. Review status: criteria provided, single submitter (1 of 4 stars). 2 submissions from 2 submitters: Likely benign (1). 1 of the submissions does not count toward it. Last evaluated 2025-10-09.

Conditions:
HSPD1-related disorder. Also called: HSPD1-related condition.
Spastic paraplegia. Identifiers: MedGen C0037772, HP:0001258.

Allele frequency attached by ClinVar (database versions not stated): TOPMed 0.00001; ExAC 0.00002; gnomAD exomes 0.00002 and 0.00003.
gnomAD v4.1: 48 of 1,613,354 alleles (0.003%); highest among the groups gnomAD compares: Non-Finnish European, 0.0039%; no homozygotes.

Submissions (2):

Labcorp Genetics (formerly Invitae), Labcorp
Classification: Likely benign for Spastic paraplegia. Last evaluated: 2025-10-09. Review status: criteria provided, single submitter. Criteria: Invitae Variant Classification Sherloc (09022015). Collection method: clinical testing. Allele origin: germline.

PreventionGenetics, part of Exact Sciences
Classification: Likely benign for HSPD1-related condition. Last evaluated: 2021-06-30. Review status: no assertion criteria provided. Collection method: clinical testing. Allele origin: germline. Not counted in ClinVar's aggregate classification.
Comment: This variant is classified as likely benign based on ACMG/AMP sequence variant interpretation guidelines (Richards et al. 2015 PMID: 25741868, with internal and published modifications).

NM_002156.5(HSPD1):c.750A>G (p.Lys250=)

Gene: HSPD1 (heat shock protein family D (Hsp60) member 1; minus strand). Cytogenetic location: 2q33.1.
Variant type: single nucleotide variant.
Coding change: c.750A>G on transcript NM_002156.5 (MANE Select); coding-DNA position 750, A replaced by G.
Protein change: p.Lys250=; no amino-acid change (lysine 250 retained).
Molecular consequence: synonymous variant.
Genome position (GRCh38, 1-based): chr2:197,493,443, T>C on the plus strand (A>G on the coding strand, the complement: HSPD1 is on the minus strand). VCF-style: chr2-197493443-T-C. GRCh37 (hg19) VCF-style: chr2-198358167-T-C.
Other names: c.750A>G, p.Lys250= (NM_199440.2).
Identifiers: ClinVar variation 701949 (VCV000701949.10), dbSNP rs780546992, ClinGen allele CA2043509.